The following is an entry in ClinVar:

NM_001035.3(RYR2):c.13347dup (p.Glu4450fs)

Gene: RYR2 (ryanodine receptor 2; plus strand). Cytogenetic location: 1q43.
Variant type: Duplication.
Coding change: c.13347dup on transcript NM_001035.3 (MANE Select); coding-DNA position 13347, one base duplicated (A; older notation c.13347dupA).
Protein change: p.Glu4450fs; shifts the reading frame from glutamic acid 4450.
Molecular consequence: frameshift variant.
Genome position (GRCh38, 1-based): chr1:237,788,006, A duplicated; the last of 5 consecutive A bases (chr1:237,788,002-237,788,006); duplicating any one gives the same sequence. VCF-style (leftmost placement, unchanged base first): chr1-237788001-G-GA. GRCh37 (hg19) VCF-style: chr1-237951301-G-GA.
Other names: short protein forms E4450fs.
Identifiers: ClinVar variation 4729412 (VCV004729412.1).
Genomic context (GRCh38, chr1:237,788,001, plus strand): 5'-TTCTTTAGTTTCTGGAGAGCTTATGTTTTGTTTGTTTGTTTTCATAGGGGAGAAGATGGA[G>GA]AAAAAGAAGAGAAAGCCAAGGAAGACAAGGGCAAACAAAAGTTGAGGCAGCTTCACACAC-3'

ClinVar aggregate classification (germline): Uncertain significance (1 of 4 stars; one submission).

Conditions:
Catecholaminergic polymorphic ventricular tachycardia 1. Also called: VENTRICULAR TACHYCARDIA, CATECHOLAMINERGIC POLYMORPHIC, 1, WITH OR WITHOUT ATRIAL DYSFUNCTION AND/OR DILATED CARDIOMYOPATHY; RYR2-Related Catecholaminergic Polymorphic Ventricular Tachycardia; VENTRICULAR TACHYCARDIA, STRESS-INDUCED POLYMORPHIC 1. Identifiers: Orphanet 3286, MedGen C1631597, MONDO:0011484, OMIM 604772.

Submission:

Labcorp Genetics (formerly Invitae), Labcorp
Classification: Uncertain significance for Catecholaminergic polymorphic ventricular tachycardia 1. Last evaluated: 2025-10-21. Review status: criteria provided, single submitter. Criteria: Invitae Variant Classification Sherloc (09022015). Collection method: clinical testing. Allele origin: germline.
Comment: This sequence change creates a premature translational stop signal (p.Glu4450Argfs*72) in the RYR2 gene. It is expected to result in an absent or disrupted protein product. However, the current clinical and genetic evidence is not sufficient to establish whether loss-of-function variants in RYR2 cause disease. This variant is not present in population databases (gnomAD no frequency). This variant has not been reported in the literature in individuals affected with RYR2-related conditions. In summary, the available evidence is currently insufficient to determine the role of this variant in disease. Therefore, it has been classified as a Variant of Uncertain Significance.